The following is an entry in ClinVar:

NM_015602.4(TOR1AIP1):c.350A>T (p.Gln117Leu)

Genes: TOR1AIP1 (torsin 1A interacting protein 1; plus strand), LOC112577517 (Sharpr-MPRA regulatory region 13766; plus strand). Cytogenetic location: 1q25.2.
Variant type: single nucleotide variant.
Coding change: c.350A>T on transcript NM_015602.4 (MANE Select); coding-DNA position 350, A replaced by T.
Protein change: p.Gln117Leu; replaces glutamine 117 with leucine.
Molecular consequence: missense variant.
Genome position (GRCh38, 1-based): chr1:179,882,852, A>T. VCF-style: chr1-179882852-A-T. GRCh37 (hg19) VCF-style: chr1-179851987-A-T.
Other names: c.350A>T, p.Gln117Leu (NM_001267578.2); c.350A>T (NM_015602.2); short protein forms Q117L.
Identifiers: ClinVar variation 1809954 (VCV001809954.4), dbSNP rs558835122, ClinGen allele CA1268723.

ClinVar aggregate classification (germline): Uncertain significance. Review status: criteria provided, multiple submitters, no conflicts (2 of 4 stars). 3 submissions from 3 submitters: Uncertain significance (3). Last evaluated 2023-05-03.

Conditions:
Inborn genetic diseases. Identifiers: MedGen C0950123, MeSH D030342.
Autosomal recessive limb-girdle muscular dystrophy type 2Y (MRRSDC). Also called: Muscular dystrophy, limb-girdle, type 2y; Muscular dystrophy, autosomal recessive, with rigid spine and distal joint contractures. Identifiers: Orphanet 424261, MedGen C4511482, MONDO:0014900, OMIM 617072.

Allele frequency attached by ClinVar (database versions not stated): gnomAD 0.00001; gnomAD exomes 0.00002; ExAC 0.00005; 1000 Genomes Project 30x 0.00016; 1000 Genomes Project 0.00020.
gnomAD v4.1: 28 of 1,614,226 alleles (0.0017%); highest among the groups gnomAD compares: South Asian, 0.03%; no homozygotes.

Submissions (3):

Ambry Genetics
Classification: Uncertain significance for Inborn genetic diseases. Last evaluated: 2023-05-03. Review status: criteria provided, single submitter. Criteria: Ambry Variant Classification Scheme 2023. Collection method: clinical testing. Allele origin: germline.

Genome-Nilou Lab
Classification: Uncertain significance for Autosomal recessive limb-girdle muscular dystrophy type 2Y. Last evaluated: 2023-04-11. Review status: criteria provided, single submitter. Criteria: ACMG Guidelines, 2015. Collection method: clinical testing. Allele origin: germline. Affected: no.

GeneDx
Classification: Uncertain significance. Last evaluated: 2022-06-30. Review status: criteria provided, single submitter. Criteria: GeneDx Variant Classification Process June 2021. Collection method: clinical testing. Allele origin: germline. Affected: yes.
Comment: In silico analysis supports that this missense variant has a deleterious effect on protein structure/function; Has not been previously published as pathogenic or benign to our knowledge